The following is an entry in ClinVar:

ClinVar aggregate classification (germline): Likely benign (1 of 4 stars; one submission).

gnomAD v4.1: 2 of 1,550,250 alleles (0.00013%); highest among the groups gnomAD compares: Admixed American, 0.0039%; no homozygotes.

Submission:

Mayo Clinic Laboratories, Mayo Clinic
Classification: Likely benign. Last evaluated: 2025-10-03. Review status: criteria provided, single submitter. Criteria: ACMG Guidelines, 2015. Collection method: clinical testing. Allele origin: germline. Observed: 1 variant allele.
Comment: BP4, BP7, PM2_supporting

NM_001367624.2(ZNF469):c.7524G>C (p.Ala2508=)

Gene: ZNF469 (zinc finger protein 469; plus strand). Cytogenetic location: 16q24.2.
Variant type: single nucleotide variant.
Coding change: c.7524G>C on transcript NM_001367624.2 (MANE Select); coding-DNA position 7524, G replaced by C.
Protein change: p.Ala2508=; no amino-acid change (alanine 2508 retained).
Molecular consequence: synonymous variant.
Genome position (GRCh38, 1-based): chr16:88,434,994, G>C. VCF-style: chr16-88434994-G-C. GRCh37 (hg19) VCF-style: chr16-88501402-G-C.
Other names: p.Ala2508=.
Identifiers: ClinVar variation 4684121 (VCV004684121.1).